The following is an entry in ClinVar:

ClinVar aggregate classification (germline): Uncertain significance (1 of 4 stars; one submission).

Conditions:
Intellectual disability, autosomal recessive 53 (NEDHSCA). Also called: GLYCOSYLPHOSPHATIDYLINOSITOL BIOSYNTHESIS DEFECT 13; Mental retardation, autosomal recessive 53; NEURODEVELOPMENTAL DISORDER WITH OR WITHOUT HYPOTONIA, SEIZURES, AND CEREBELLAR ATROPHY. Identifiers: Orphanet 488635, MedGen C4310794, MONDO:0014832, OMIM 616917.

Allele frequency attached by ClinVar (database versions not stated): gnomAD exomes below 0.00001.

Submission:

Labcorp Genetics (formerly Invitae), Labcorp
Classification: Uncertain significance for Intellectual disability, autosomal recessive 53. Last evaluated: 2021-02-21. Review status: criteria provided, single submitter. Criteria: Invitae Variant Classification Sherloc (09022015). Collection method: clinical testing. Allele origin: germline.
Comment: Algorithms developed to predict the effect of missense changes on protein structure and function output the following: SIFT: "Tolerated"; PolyPhen-2: "Benign"; Align-GVGD: "Class C0". The leucine amino acid residue is found in multiple mammalian species, suggesting that this missense change does not adversely affect protein function. These predictions have not been confirmed by published functional studies and their clinical significance is uncertain. This sequence change replaces serine with leucine at codon 468 of the PIGG protein (p.Ser468Leu). The serine residue is weakly conserved and there is a large physicochemical difference between serine and leucine. This variant is not present in population databases (ExAC no frequency). This variant has not been reported in the literature in individuals with PIGG-related conditions. In summary, the available evidence is currently insufficient to determine the role of this variant in disease. Therefore, it has been classified as a Variant of Uncertain Significance.

NM_001127178.3(PIGG):c.1403C>T (p.Ser468Leu)

Gene: PIGG (phosphatidylinositol glycan anchor biosynthesis class G (EMM blood group); plus strand). Cytogenetic location: 4p16.3.
Variant type: single nucleotide variant.
Coding change: c.1403C>T on transcript NM_001127178.3 (MANE Select); coding-DNA position 1403, C replaced by T.
Protein change: p.Ser468Leu; replaces serine 468 with leucine.
Molecular consequence: missense variant. On other transcripts: 3 prime UTR variant (1), 5 prime UTR variant (2), non-coding transcript variant (10).
Genome position (GRCh38, 1-based): chr4:521,730, C>T. VCF-style: chr4-521730-C-T. GRCh37 (hg19) VCF-style: chr4-515519-C-T.
Other names: c.1136C>T, p.Ser379Leu (NM_001289051.2, NM_001289053.2, NM_001345986.2); c.1004C>T, p.Ser335Leu (NM_001289052.2); c.991C>T, p.His331Tyr (NM_001289055.2); c.*18C>T (NM_001289057.2); c.1112C>T, p.Ser371Leu (NM_001345987.2); c.374C>T, p.Ser125Leu (NM_001345988.2); c.1403C>T, p.Ser468Leu (NM_001345989.2); c.-131C>T (NM_001345990.2, NM_001345991.2); and 2 more; short protein forms S379L, S460L, H331Y, S102L, S125L, S371L, S335L, S468L.
Identifiers: ClinVar variation 1507403 (VCV001507403.8), dbSNP rs2108947315, ClinGen allele CA355904479.